The following is an entry in ClinVar:

ClinVar aggregate classification (germline): Uncertain significance. Review status: criteria provided, multiple submitters, no conflicts (2 of 4 stars). 2 submissions from 2 submitters: Uncertain significance (2). Last evaluated 2025-03-05.

Submissions (2):

Labcorp Genetics (formerly Invitae), Labcorp
Classification: Uncertain significance. Last evaluated: 2025-03-05. Review status: criteria provided, single submitter. Criteria: Invitae Variant Classification Sherloc (09022015). Collection method: clinical testing. Allele origin: germline.
Comment: This sequence change replaces isoleucine, which is neutral and non-polar, with valine, which is neutral and non-polar, at codon 368 of the TERF2IP protein (p.Ile368Val). This variant is present in population databases (rs756225588, gnomAD 0.003%). This variant has not been reported in the literature in individuals affected with TERF2IP-related conditions. ClinVar contains an entry for this variant (Variation ID: 2447557). An algorithm developed to predict the effect of missense changes on protein structure and function outputs the following: PolyPhen-2: "Benign". The valine amino acid residue is found in multiple mammalian species, which suggests that this missense change does not adversely affect protein function. In summary, the available evidence is currently insufficient to determine the role of this variant in disease. Therefore, it has been classified as a Variant of Uncertain Significance.

Ambry Genetics
Classification: Uncertain significance. Last evaluated: 2023-02-26. Review status: criteria provided, single submitter. Criteria: Ambry Variant Classification Scheme 2023. Collection method: clinical testing. Allele origin: germline.
Comment: The p.I368V variant (also known as c.1102A>G), located in coding exon 3 of the TERF2IP gene, results from an A to G substitution at nucleotide position 1102. The isoleucine at codon 368 is replaced by valine, an amino acid with highly similar properties. This amino acid position is conserved. In addition, this alteration is predicted to be tolerated by in silico analysis. Since supporting evidence is limited at this time, the clinical significance of this alteration remains unclear.

NM_018975.4(TERF2IP):c.1102A>G (p.Ile368Val)

Gene: TERF2IP (TERF2 interacting protein; plus strand). Cytogenetic location: 16q23.1.
Variant type: single nucleotide variant.
Coding change: c.1102A>G on transcript NM_018975.4 (MANE Select); coding-DNA position 1102, A replaced by G.
Protein change: p.Ile368Val; replaces isoleucine 368 with valine.
Molecular consequence: missense variant. On other transcripts: non-coding transcript variant (1).
Genome position (GRCh38, 1-based): chr16:75,656,513, A>G. VCF-style: chr16-75656513-A-G. GRCh37 (hg19) VCF-style: chr16-75690411-A-G.
Other names: short protein forms I368V.
Identifiers: ClinVar variation 2447557 (VCV002447557.5), dbSNP rs756225588, ClinGen allele CA8178167.